The following is an entry in ClinVar:

ClinVar aggregate classification (germline): Benign/Likely benign. Review status: criteria provided, single submitter (1 of 4 stars). 3 submissions from 1 submitter: Benign (2); Likely benign (1). Last evaluated 2018-01-12.

Conditions:
Channelopathy-associated congenital insensitivity to pain, autosomal recessive. Also called: Insensitivity to pain, channelopathy-associated; ASYMBOLIA FOR PAIN; CONGENITAL ANALGESIA, AUTOSOMAL RECESSIVE. Identifiers: Orphanet 88642, Orphanet 970, MedGen C1855739, MONDO:0009459, OMIM 243000.
Paroxysmal extreme pain disorder (PEXPD). Also called: PAIN, SUBMANDIBULAR, OCULAR, AND RECTAL, WITH FLUSHING; RECTAL PAIN, FAMILIAL; SCN9A Paroxysmal Extreme Pain Disorder (SCN9A-PEPD). Identifiers: Orphanet 46348, MedGen C1833661, MONDO:0008179, OMIM 167400.
Primary erythromelalgia. Also called: SCN9A Erythromelalgia (SCN9A-EM); primary erythermalgia. Identifiers: Orphanet 306577, Orphanet 90026, MedGen C0014805, MONDO:0007571, OMIM 133020.

Allele frequency attached by ClinVar (database versions not stated): gnomAD exomes 0.00016; 1000 Genomes Project 0.00060; 1000 Genomes Project 30x 0.00062; gnomAD 0.00084 and 0.00092; TOPMed 0.00104.
gnomAD v4.1: 130 of 178,210 alleles (0.073%); highest among the groups gnomAD compares: African/African-American, 0.29%; no homozygotes.

Submissions (3):

Illumina Laboratory Services, Illumina
Classification: Benign for Primary erythromelalgia. Last evaluated: 2018-01-12. Review status: criteria provided, single submitter. Criteria: ICSL Variant Classification Criteria 13 December 2019. Collection method: clinical testing. Allele origin: germline.
Comment: This variant was observed in the ICSL laboratory as part of a predisposition screen in an ostensibly healthy population. It had not been previously curated by ICSL or reported in the Human Gene Mutation Database (HGMD: prior to June 1st, 2018), and was therefore a candidate for classification through an automated scoring system. Utilizing variant allele frequency, disease prevalence and penetrance estimates, and inheritance mode, an automated score was calculated to assess if this variant is too frequent to cause the disease. Based on the score and internal cut-off values, a variant classified as benign is not then subjected to further curation. The score for this variant resulted in a classification of benign for this disease.

Illumina Laboratory Services, Illumina
Classification: Benign for Paroxysmal extreme pain disorder. Last evaluated: 2018-01-12. Review status: criteria provided, single submitter. Criteria: ICSL Variant Classification Criteria 13 December 2019. Collection method: clinical testing. Allele origin: germline.
Comment: the same text as in the submission from Illumina Laboratory Services, Illumina above.

Illumina Laboratory Services, Illumina
Classification: Likely benign for Channelopathy-associated congenital insensitivity to pain, autosomal recessive. Last evaluated: 2018-01-12. Review status: criteria provided, single submitter. Criteria: ICSL Variant Classification Criteria 13 December 2019. Collection method: clinical testing. Allele origin: germline.
Comment: This variant was observed in the ICSL laboratory as part of a predisposition screen in an ostensibly healthy population. It had not been previously curated by ICSL or reported in the Human Gene Mutation Database (HGMD: prior to June 1st, 2018), and was therefore a candidate for classification through an automated scoring system. Utilizing variant allele frequency, disease prevalence and penetrance estimates, and inheritance mode, an automated score was calculated to assess if this variant is too frequent to cause the disease. Based on the score and internal cut-off values, a variant classified as likely benign is not then subjected to further curation. The score for this variant resulted in a classification of likely benign for this disease.

NM_001365536.1(SCN9A):c.*362C>T

Genes: SCN1A-AS1 (SCN1A and SCN9A antisense RNA 1; plus strand), SCN9A (sodium voltage-gated channel alpha subunit 9; minus strand). Cytogenetic location: 2q24.3.
Variant type: single nucleotide variant.
Coding change: c.*362C>T on transcript NM_001365536.1 (MANE Select); 362 bases downstream of the stop codon, C replaced by T.
Molecular consequence: 3 prime UTR variant.
Genome position (GRCh38, 1-based): chr2:166,198,310, G>A on the plus strand (C>T on the coding strand, the complement: SCN9A is on the minus strand). VCF-style: chr2-166198310-G-A. GRCh37 (hg19) VCF-style: chr2-167054820-G-A.
Other names: c.*362C>T (NM_002977.4).
Identifiers: ClinVar variation 893365 (VCV000893365.4), dbSNP rs185832567, ClinGen allele CA59782242.